The following is an entry in ClinVar:

NM_133372.3(FNIP1):c.1574T>C (p.Val525Ala)

Gene: FNIP1 (folliculin interacting protein 1; minus strand). Cytogenetic location: 5q31.1.
Variant type: single nucleotide variant.
Coding change: c.1574T>C on transcript NM_133372.3 (MANE Select); coding-DNA position 1574, T replaced by C.
Protein change: p.Val525Ala; replaces valine 525 with alanine.
Molecular consequence: missense variant.
Genome position (GRCh38, 1-based): chr5:131,672,870, A>G on the plus strand (T>C on the coding strand, the complement: FNIP1 is on the minus strand). VCF-style: chr5-131672870-A-G. GRCh37 (hg19) VCF-style: chr5-131008563-A-G.
Other names: c.1490T>C, p.Val497Ala (NM_001008738.3); c.1439T>C, p.Val480Ala (NM_001346114.2); short protein forms V525A, V480A, V497A.
Identifiers: ClinVar variation 4692129 (VCV004692129.1).

ClinVar aggregate classification (germline): Uncertain significance (1 of 4 stars; one submission).

gnomAD v4.1: 3 of 1,602,848 alleles (0.00019%); no homozygotes.

Submission:

Labcorp Genetics (formerly Invitae), Labcorp
Classification: Uncertain significance. Last evaluated: 2025-08-23. Review status: criteria provided, single submitter. Criteria: Invitae Variant Classification Sherloc (09022015). Collection method: clinical testing. Allele origin: germline.
Comment: This sequence change replaces valine, which is neutral and non-polar, with alanine, which is neutral and non-polar, at codon 525 of the FNIP1 protein (p.Val525Ala). This variant is present in population databases (no rsID available, gnomAD 0.0009%). This variant has not been reported in the literature in individuals affected with FNIP1-related conditions. An algorithm developed to predict the effect of missense changes on protein structure and function (PolyPhen-2) suggests that this variant is likely to be disruptive. In summary, the available evidence is currently insufficient to determine the role of this variant in disease. Therefore, it has been classified as a Variant of Uncertain Significance.